The following is an entry in ClinVar:

ClinVar aggregate classification (germline): Uncertain significance. Review status: criteria provided, multiple submitters, no conflicts (2 of 4 stars). 2 submissions from 2 submitters: Uncertain significance (2). Last evaluated 2026-08-08.

Conditions:
Cardiovascular phenotype. Identifiers: MedGen CN230736.

Submissions (2):

Ambry Genetics
Classification: Uncertain significance for Cardiovascular phenotype. Last evaluated: 2026-08-08. Review status: criteria provided, single submitter. Criteria: Ambry Variant Classification Scheme 2023. Collection method: clinical testing. Allele origin: germline.
Comment: The p.D2635G variant (also known as c.7904A>G), located in coding exon 38 of the ANK2 gene, results from an A to G substitution at nucleotide position 7904. The aspartic acid at codon 2635 is replaced by glycine, an amino acid with similar properties. This amino acid position is conserved. In addition, this alteration is predicted to be tolerated by in silico analysis. Based on the available evidence, the clinical significance of this variant remains unclear.

GeneDx
Classification: Uncertain significance. Last evaluated: 2023-10-24. Review status: criteria provided, single submitter. Criteria: GeneDx Variant Classification Process June 2021. Collection method: clinical testing. Allele origin: germline. Affected: yes.
Comment: Has not been previously published as pathogenic or benign to our knowledge; Not observed at significant frequency in large population cohorts (gnomAD); In silico analysis supports that this missense variant does not alter protein structure/function; Located in exon 38, which is reported as being expressed in a brain-specific transcript (PMID: 1830053, 18790697, 26109584); This variant is associated with the following publications: (PMID: 1830053, 18790697, 26109584)

NM_001148.6(ANK2):c.7904A>G (p.Asp2635Gly)

Genes: ANK2 (ankyrin 2; plus strand), LOC126807137 (CDK7 strongly-dependent group 2 enhancer GRCh37_chr4:114276560-114277759; plus strand). Cytogenetic location: 4q26.
Variant type: single nucleotide variant.
Coding change: c.7904A>G on transcript NM_001148.6 (MANE Select); coding-DNA position 7904, A replaced by G.
Protein change: p.Asp2635Gly; replaces aspartic acid 2635 with glycine.
Molecular consequence: missense variant. On other transcripts: intron variant (68).
Genome position (GRCh38, 1-based): chr4:113,356,522, A>G. VCF-style: chr4-113356522-A-G. GRCh37 (hg19) VCF-style: chr4-114277678-A-G.
Other names: c.4376-4301A>G (NM_001354254.2); c.4397-4301A>G (NM_001354239.2, NM_001354252.2); c.4298-4301A>G (NM_001354272.2); c.4361-4301A>G (NM_001354244.2, NM_001354256.2, NM_001386161.1); c.4400-4301A>G (NM_001127493.3); c.4364-4301A>G (NM_001386143.1, NM_001354243.2, NM_001354255.2); c.4265-4301A>G (NM_001354262.2, NM_001354275.2, NM_001354245.2); c.4202-4301A>G (NM_001354253.2, NM_001354270.2); and 35 more; short protein forms D1435G, D2557G, D2635G, D2674G, D2682G.
Identifiers: ClinVar variation 3363515 (VCV003363515.2).